The following is an entry in ClinVar:

ClinVar aggregate classification (germline): Uncertain significance (1 of 4 stars; one submission).

Allele frequency attached by ClinVar (database versions not stated): gnomAD 0.00001; TOPMed 0.00002.
gnomAD v4.1: 22 of 1,610,584 alleles (0.0014%); highest among the groups gnomAD compares: Non-Finnish European, 0.0018%; no homozygotes.

Submission:

Labcorp Genetics (formerly Invitae), Labcorp
Classification: Uncertain significance. Last evaluated: 2022-09-27. Review status: criteria provided, single submitter. Criteria: Invitae Variant Classification Sherloc (09022015). Collection method: clinical testing. Allele origin: germline.
Comment: In summary, the available evidence is currently insufficient to determine the role of this variant in disease. Therefore, it has been classified as a Variant of Uncertain Significance. This variant has not been reported in the literature in individuals affected with AIMP2-related conditions. Algorithms developed to predict the effect of missense changes on protein structure and function (SIFT, PolyPhen-2, Align-GVGD) all suggest that this variant is likely to be tolerated. This variant is not present in population databases (gnomAD no frequency). This sequence change replaces proline, which is neutral and non-polar, with arginine, which is basic and polar, at codon 28 of the AIMP2 protein (p.Pro28Arg).

NM_006303.4(AIMP2):c.83C>G (p.Pro28Arg)

Gene: AIMP2 (aminoacyl tRNA synthetase complex interacting multifunctional protein 2; plus strand). Cytogenetic location: 7p22.1.
Variant type: single nucleotide variant.
Coding change: c.83C>G on transcript NM_006303.4 (MANE Select); coding-DNA position 83, C replaced by G.
Protein change: p.Pro28Arg; replaces proline 28 with arginine.
Molecular consequence: missense variant. On other transcripts: 5 prime UTR variant (1), intron variant (3).
Genome position (GRCh38, 1-based): chr7:6,009,446, C>G. VCF-style: chr7-6009446-C-G. GRCh37 (hg19) VCF-style: chr7-6049077-C-G.
Other names: c.83C>G, p.Pro28Arg (NM_001326607.2); c.-238C>G (NM_001326609.2); c.-238+68C>G (NM_001326611.3); c.-251+68C>G (NM_001326610.2); c.15+68C>G (NM_001326606.2); short protein forms P28R.
Identifiers: ClinVar variation 2181532 (VCV002181532.4), dbSNP rs762176789, ClinGen allele CA153253166.